The following is an entry in ClinVar:

ClinVar aggregate classification (germline): Conflicting classifications of pathogenicity. Review status: criteria provided, conflicting classifications (1 of 4 stars). 3 submissions from 3 submitters: Uncertain significance (1); Likely benign (1). 1 of the submissions does not count toward it. Last evaluated 2024-02-17.

Conditions:
TUBB4A-related disorder. Also called: TUBB4A-related condition.
Leukodystrophy, hypomyelinating, 6. Also called: LEUKODYSTROPHY, HYPOMYELINATING, WITH ATROPHY OF THE BASAL GANGLIA AND CEREBELLUM; TUBB4A-Associated Leukodystrophy; Hypomyelination with Atrophy of Basal Ganglia and Cerebellum (H-ABC). Identifiers: Orphanet 139441, MedGen C2676244, MONDO:0012905, OMIM 612438.
Inborn genetic diseases. Identifiers: MedGen C0950123, MeSH D030342.

Submissions (3):

Labcorp Genetics (formerly Invitae), Labcorp
Classification: Likely benign for Leukodystrophy, hypomyelinating, 6. Last evaluated: 2024-02-17. Review status: criteria provided, single submitter. Criteria: Invitae Variant Classification Sherloc (09022015). Collection method: clinical testing. Allele origin: germline.

Ambry Genetics
Classification: Uncertain significance for Inborn genetic diseases. Last evaluated: 2021-04-28. Review status: criteria provided, single submitter. Criteria: Ambry Variant Classification Scheme 2023. Collection method: clinical testing. Allele origin: germline.
Comment: The c.278-15_278-6del10 alteration is located in Intron 3 (E) of the TUBB4A gene. This alteration consists of a deletion of 10 nucleotides at nucleotide position c.278-15 Intron 3 (E). Based on insufficient or conflicting evidence, the clinical significance of this alteration remains unclear.

PreventionGenetics, part of Exact Sciences
Classification: Likely benign for TUBB4A-related condition. Last evaluated: 2020-02-14. Review status: no assertion criteria provided. Collection method: clinical testing. Allele origin: germline. Not counted in ClinVar's aggregate classification.
Comment: This variant is classified as likely benign based on ACMG/AMP sequence variant interpretation guidelines (Richards et al. 2015 PMID: 25741868, with internal and published modifications).

NM_006087.4(TUBB4A):c.278-15_278-6del

Gene: TUBB4A (tubulin beta 4A class IVa; minus strand). Cytogenetic location: 19p13.3.
Variant type: Deletion.
Coding change: c.278-15_278-6del on transcript NM_006087.4 (MANE Select); 15 bases into the intron before coding-DNA position 278 through 6 bases into the intron before coding-DNA position 278, 10 bases deleted (CCCTTCCCTC; older notation c.278-15_278-6delCCCTTCCCTC).
Molecular consequence: intron variant.
Genome position (GRCh38, 1-based): chr19:6,496,227-6,496,236, GAGGGAAGGG deleted on the plus strand (CCCTTCCCTC on the coding strand, the reverse complement: TUBB4A is on the minus strand); deleting any 10 consecutive bases within chr19:6,496,227-6,496,241 gives the same sequence; the c. name uses the placement nearest the transcript's 3' end. VCF-style (leftmost placement, unchanged base first): chr19-6496226-AGAGGGAAGGG-A. GRCh37 (hg19) VCF-style: chr19-6496237-AGAGGGAAGGG-A.
Other names: c.278-15_278-6del (NM_001289129.2); c.413-15_413-6del (NM_001289127.2); c.431-15_431-6del (NM_001289123.2); c.62-15_62-6del (NM_001289131.2, NM_001289130.2); c.278-15_278-6del10 (NM_006087.2, NM_006087.3).
Identifiers: ClinVar variation 1045776 (VCV001045776.11), dbSNP rs768924966, ClinGen allele CA9127393.